The following is an entry in ClinVar:

ClinVar aggregate classification (germline): Likely benign (1 of 4 stars; one submission).

Conditions:
Familial adenomatous polyposis 1 (FAP1). Also called: POLYPOSIS, ADENOMATOUS INTESTINAL; FAMILIAL ADENOMATOUS POLYPOSIS 1, ATTENUATED. Identifiers: MedGen C2713442, MONDO:0021056, OMIM 175100. Disease mechanism: loss of function.

gnomAD v4.1: 1 of 1,567,214 alleles (0.000064%); highest among the groups gnomAD compares: Non-Finnish European, 0.000088%; no homozygotes.

Submission:

Myriad Genetics, Inc.
Classification: Likely benign for Familial adenomatous polyposis 1. Last evaluated: 2024-03-06. Review status: criteria provided, single submitter. Criteria: Myriad Autosomal Dominant, Autosomal Recessive and X-Linked Classification Criteria (2023). Collection method: clinical testing. Allele origin: unknown.
Comment: This variant is considered likely benign. This variant is intronic and is not expected to impact mRNA splicing.

NM_000038.6(APC):c.1627-10T>C

Gene: APC (APC regulator of Wnt signaling pathway; plus strand). Cytogenetic location: 5q22.2.
Variant type: single nucleotide variant.
Coding change: c.1627-10T>C on transcript NM_000038.6 (MANE Select); 10 bases into the intron before coding-DNA position 1627, T replaced by C.
Molecular consequence: intron variant.
Genome position (GRCh38, 1-based): chr5:112,828,846, T>C. VCF-style: chr5-112828846-T-C. GRCh37 (hg19) VCF-style: chr5-112164543-T-C.
Other names: c.778-10T>C (NM_001407470.1, NM_001354906.2); c.475-10T>C (NM_001407472.1, NM_001407471.1); c.1681-10T>C (NM_001407447.1, NM_001407448.1, NM_001407449.1 and 1 more transcripts); c.1627-10T>C (NM_001354895.2, NM_001407450.1, NM_001127510.3); c.1378-10T>C (NM_001407456.1, NM_001407457.1, NM_001407455.1 and 1 more transcripts); c.1324-10T>C (NM_001407460.1, NM_001407458.1, NM_001407459.1 and 1 more transcripts); c.1597-10T>C (NM_001407452.1); c.1240-10T>C (NM_001407469.1, NM_001407467.1); and 11 more.
Identifiers: ClinVar variation 3148815 (VCV003148815.1), dbSNP rs863224538, ClinGen allele CA2674856468.